The following is an entry in ClinVar:

NM_001378454.1(ALMS1):c.68_69insAGAGGAGGAGGAGGAGGAGGA (p.Glu28_Ala29insGluGluGluGluGluGluGlu)

Gene: ALMS1 (ALMS1 centrosome and basal body associated protein; plus strand). Cytogenetic location: 2p13.1.
Variant type: Microsatellite.
Coding change: c.68_69insAGAGGAGGAGGAGGAGGAGGA on transcript NM_001378454.1 (MANE Select); coding-DNA positions 68 to 69, AGAGGAGGAGGAGGAGGAGGA inserted.
Protein change: p.Glu28_Ala29insGluGluGluGluGluGluGlu.
Molecular consequence: inframe insertion.
Genome position: GRCh38 VCF-style: chr2-73385916-G-GGAGGAGGAGGAGGAGGAGGAA. GRCh37 (hg19) VCF-style: chr2-73613044-G-GGAGGAGGAGGAGGAGGAGGAA.
Other names: c.71_72insAGAGGAGGAGGAGGAGGAGGA, p.Glu29_Ala30insGluGluGluGluGluGluGlu (NM_015120.4).
Identifiers: ClinVar variation 1929534 (VCV001929534.2), dbSNP rs1157119441.
Genomic context (GRCh38, chr2:73,385,916, plus strand): 5'-GCGAGACACCAACATGGAGCCCGAGGATCTGCCATGGCCGGGCGAGCTGGAGGAGGAGGA[G>GGAGGAGGAGGAGGAGGAGGAA]GAGGAGGAGGAGGAGGAGGAGGAGGAAGAGGAGGAGGCTGCAGCGGCGGCGGCGGCGAAC-3'

ClinVar aggregate classification (germline): Uncertain significance (1 of 4 stars; one submission).

Conditions:
Alstrom syndrome (ALMS). Identifiers: Orphanet 64, MedGen C0268425, MONDO:0008763, OMIM 203800.

Submission:

Labcorp Genetics (formerly Invitae), Labcorp
Classification: Uncertain significance for Alstrom syndrome. Last evaluated: 2022-06-14. Review status: criteria provided, single submitter. Criteria: Invitae Variant Classification Sherloc (09022015). Collection method: clinical testing. Allele origin: germline.
Comment: This variant, c.71_72insAGAGGAGGAGGAGGAGGAGGA, results in the insertion of 7 amino acid(s) of the ALMS1 protein (p.Glu23_Glu29dup), but otherwise preserves the integrity of the reading frame. The frequency data for this variant in the population databases is considered unreliable, as metrics indicate poor data quality at this position in the gnomAD database. This variant has not been reported in the literature in individuals affected with ALMS1-related conditions. Experimental studies and prediction algorithms are not available or were not evaluated, and the functional significance of this variant is currently unknown. In summary, the available evidence is currently insufficient to determine the role of this variant in disease. Therefore, it has been classified as a Variant of Uncertain Significance.